The following is an entry in ClinVar:

NM_006493.4(CLN5):c.173+12G>T

Genes: CLN5 (CLN5 lysosomal BMP synthase; plus strand), LOC130009913 (ATAC-STARR-seq lymphoblastoid silent region 5414; plus strand). Cytogenetic location: 13q22.3.
Variant type: single nucleotide variant.
Coding change: c.173+12G>T on transcript NM_006493.4 (MANE Select); 12 bases into the intron after coding-DNA position 173, G replaced by T.
Molecular consequence: intron variant.
Genome position (GRCh38, 1-based): chr13:76,992,283, G>T. VCF-style: chr13-76992283-G-T. GRCh37 (hg19) VCF-style: chr13-77566418-G-T.
Other names: c.320+12G>T (LRG_692t1); c.173+12G>T (NM_001366624.2).
Identifiers: ClinVar variation 509850 (VCV000509850.9), dbSNP rs781182241, ClinGen allele CA7007146.

ClinVar aggregate classification (germline): Likely benign. Review status: criteria provided, multiple submitters, no conflicts (2 of 4 stars). 2 submissions from 2 submitters: Likely benign (2). Last evaluated 2025-04-11.

Conditions:
Neuronal ceroid lipofuscinosis. Also called: Neuronal Ceroid Lipofuscinoses. Identifiers: Orphanet 216, Orphanet 79263, MedGen C0027877, MONDO:0016295. Disease mechanism: loss of function.

Allele frequency attached by ClinVar (database versions not stated): TOPMed 0.00001; ExAC 0.00004; gnomAD exomes 0.00005.
gnomAD v4.1: 8 of 1,551,358 alleles (0.00052%); highest among the groups gnomAD compares: Admixed American, 0.013%; no homozygotes.

Submissions (2):

Labcorp Genetics (formerly Invitae), Labcorp
Classification: Likely benign for Neuronal ceroid lipofuscinosis. Last evaluated: 2025-04-11. Review status: criteria provided, single submitter. Criteria: Invitae Variant Classification Sherloc (09022015). Collection method: clinical testing. Allele origin: germline.

GeneDx
Classification: Likely benign. Last evaluated: 2017-05-25. Review status: criteria provided, single submitter. Criteria: GeneDx Variant Classification (06012015). Collection method: clinical testing. Allele origin: germline. Affected: yes.
Comment: This variant is considered likely benign or benign based on one or more of the following criteria: it is a conservative change, it occurs at a poorly conserved position in the protein, it is predicted to be benign by multiple in silico algorithms, and/or has population frequency not consistent with disease.